The following is an entry in ClinVar:

NM_033116.6(NEK9):c.2636C>T (p.Ala879Val)

Gene: NEK9 (NIMA related kinase 9; minus strand). Cytogenetic location: 14q24.3.
Variant type: single nucleotide variant.
Coding change: c.2636C>T on transcript NM_033116.6 (MANE Select); coding-DNA position 2636, C replaced by T.
Protein change: p.Ala879Val; replaces alanine 879 with valine.
Molecular consequence: missense variant.
Genome position (GRCh38, 1-based): chr14:75,087,199, G>A on the plus strand (C>T on the coding strand, the complement: NEK9 is on the minus strand). VCF-style: chr14-75087199-G-A. GRCh37 (hg19) VCF-style: chr14-75553902-G-A.
Other names: c.2672C>T, p.Ala891Val (NM_001329237.2); c.2282C>T, p.Ala761Val (NM_001329238.2); c.2636C>T (NM_033116.5); short protein forms A879V, A761V, A891V.
Identifiers: ClinVar variation 3918789 (VCV003918789.2).
Genomic context (GRCh38, chr14:75,087,199, plus strand): 5'-ACCTCCACCTGCAGAGAGCTGCACGCACACGCAGGAGGAGTCAGTGGTGTTCCCTTCCCA[G>A]CACAGGTTACTGCAGGATTCAGCCGAGGTGACTAGAGAGACAAGAAGGAGATTGCAGGAG-3'
Protein context (NP_149107.4, residues 869-889): SPRLNPAVTC[Ala879Val]GKGTPLTPPA

ClinVar aggregate classification (germline): Uncertain significance. Review status: criteria provided, multiple submitters, no conflicts (2 of 4 stars). 2 submissions from 2 submitters: Uncertain significance (2). Last evaluated 2025-05-21.

Conditions:
Inborn genetic diseases. Identifiers: MedGen C0950123, MeSH D030342.
NEK9-related disorder. Also called: NEK9-related condition.

gnomAD v4.1: 31 of 1,613,718 alleles (0.0019%); highest among the groups gnomAD compares: Admixed American, 0.052%; no homozygotes.

Submissions (2):

Ambry Genetics
Classification: Uncertain significance for Inborn genetic diseases. Last evaluated: 2025-05-21. Review status: criteria provided, single submitter. Criteria: Ambry Variant Classification Scheme 2023. Collection method: clinical testing. Allele origin: germline.

PreventionGenetics, part of Exact Sciences
Classification: Uncertain significance for NEK9-related condition. Last evaluated: 2024-11-09. Review status: criteria provided, single submitter. Criteria: ACMG Guidelines, 2015. Collection method: clinical testing. Allele origin: germline.
Comment: The NEK9 c.2636C>T variant is predicted to result in the amino acid substitution p.Ala879Val. To our knowledge, this variant has not been reported in the literature. This variant is reported in 0.081% of alleles in individuals of Latino descent in gnomAD. Although we suspect that this variant may be benign, at this time, the clinical significance of this variant is uncertain due to the absence of conclusive functional and genetic evidence.